The following is an entry in ClinVar:

NM_000179.3(MSH6):c.1395A>T (p.Ala465=)

Gene: MSH6 (mutS homolog 6; plus strand). Cytogenetic location: 2p16.3.
Variant type: single nucleotide variant.
Coding change: c.1395A>T on transcript NM_000179.3 (MANE Select); coding-DNA position 1395, A replaced by T.
Protein change: p.Ala465=; no amino-acid change (alanine 465 retained).
Molecular consequence: synonymous variant.
Genome position (GRCh38, 1-based): chr2:47,799,378, A>T. VCF-style: chr2-47799378-A-T. GRCh37 (hg19) VCF-style: chr2-48026517-A-T.
Other names: c.1005A>T, p.Ala335= (NM_001281492.2); c.489A>T, p.Ala163= (NM_001281493.2, NM_001281494.2).
Identifiers: ClinVar variation 378166 (VCV000378166.23), dbSNP rs1057520322, ClinGen allele CA16604283.

ClinVar aggregate classification (germline): Benign/Likely benign. Review status: criteria provided, multiple submitters, no conflicts (2 of 4 stars). 7 submissions from 7 submitters: Benign (1); Likely benign (6). Last evaluated 2025-06-04.

Conditions:
Hereditary nonpolyposis colorectal neoplasms. Identifiers: MedGen C0009405, MeSH D003123.
Hereditary cancer-predisposing syndrome. Also called: Hereditary neoplastic syndrome; Hereditary Cancer Syndrome; Neoplastic Syndromes, Hereditary; Tumor predisposition. Identifiers: Orphanet 140162, MedGen C0027672, MeSH D009386, MONDO:0015356.
Lynch syndrome 5 (LYNCH5). Also called: Colorectal cancer, hereditary nonpolyposis, type 5; Hereditary non-polyposis colorectal cancer, type 5. Identifiers: Orphanet 144, MedGen C1833477, MONDO:0013710, OMIM 614350. Disease mechanism: loss of function.

Allele frequency attached by ClinVar (database versions not stated): TOPMed 0.00001.
gnomAD v4.1: 4 of 1,614,106 alleles (0.00025%); highest among the groups gnomAD compares: Non-Finnish European, 0.00017%; no homozygotes.

Submissions (7):

Labcorp Genetics (formerly Invitae), Labcorp
Classification: Likely benign for Hereditary nonpolyposis colorectal neoplasms. Last evaluated: 2025-06-04. Review status: criteria provided, single submitter. Criteria: Invitae Variant Classification Sherloc (09022015). Collection method: clinical testing. Allele origin: germline.

Myriad Genetics, Inc.
Classification: Benign for Lynch syndrome 5. Last evaluated: 2024-12-26. Review status: criteria provided, single submitter. Criteria: Myriad Autosomal Dominant, Autosomal Recessive and X-Linked Classification Criteria (2023). Collection method: clinical testing. Allele origin: unknown.
Comment: This variant is considered benign. This variant is a silent/synonymous amino acid change and it is not expected to impact splicing.

Women's Health and Genetics/Laboratory Corporation of America, LabCorp
Classification: Likely benign. Last evaluated: 2024-03-28. Review status: criteria provided, single submitter. Criteria: LabCorp Variant Classification Summary - May 2015. Collection method: clinical testing. Allele origin: germline.

Sema4
Classification: Likely benign for Hereditary cancer-predisposing syndrome. Last evaluated: 2021-11-22. Review status: criteria provided, single submitter. Criteria: Sema4 Curation Guidelines. Collection method: curation. Allele origin: germline.

GeneDx
Classification: Likely benign. Last evaluated: 2021-02-01. Review status: criteria provided, single submitter. Criteria: GeneDx Variant Classification Process June 2021. Collection method: clinical testing. Allele origin: germline. Affected: yes.

Color Diagnostics, LLC DBA Color Health
Classification: Likely benign for Hereditary cancer-predisposing syndrome. Last evaluated: 2018-10-23. Review status: criteria provided, single submitter. Criteria: ACMG Guidelines, 2015. Collection method: clinical testing. Allele origin: germline.

Ambry Genetics
Classification: Likely benign for Hereditary cancer-predisposing syndrome. Last evaluated: 2017-09-08. Review status: criteria provided, single submitter. Criteria: Ambry Variant Classification Scheme 2023. Collection method: clinical testing. Allele origin: germline.

Literature cited by the submitters: PubMed 28481244 (cited by Ambry Genetics).